The following is an entry in ClinVar:

NM_018082.6(POLR3B):c.1689A>C (p.Arg563Ser)

Gene: POLR3B (RNA polymerase III subunit B; plus strand). Cytogenetic location: 12q23.3.
Variant type: single nucleotide variant.
Coding change: c.1689A>C on transcript NM_018082.6 (MANE Select); coding-DNA position 1689, A replaced by C.
Protein change: p.Arg563Ser; replaces arginine 563 with serine.
Molecular consequence: missense variant.
Genome position (GRCh38, 1-based): chr12:106,433,780, A>C. VCF-style: chr12-106433780-A-C. GRCh37 (hg19) VCF-style: chr12-106827558-A-C.
Other names: c.1515A>C, p.Arg505Ser (NM_001160708.2); short protein forms R505S, R563S.
Identifiers: ClinVar variation 4882873 (VCV004882873.2).

ClinVar aggregate classification (germline): Uncertain significance (1 of 4 stars; one submission).

gnomAD v4.1: 1 of 1,613,390 alleles (0.000062%); highest among the groups gnomAD compares: Non-Finnish European, 0.000085%; no homozygotes.

Submission:

Dasa
Classification: Uncertain significance. Last evaluated: 2025-10-09. Review status: criteria provided, single submitter. Criteria: DASA Assertion Criteria. Collection method: clinical testing. Allele origin: germline.
Comment: NM_018082.6(POLR3B):c.1689A>C (p.Arg563Ser) is a missense variant that results in the substitution of arginine with serine. This variant is rare in population databases. Computational prediction algorithms are consistent with a deleterious effect. The currently available literature and clinical evidence are not sufficient to establish a definitive association between this variant and the reported condition. Therefore, this variant is classified as a variant of uncertain significance.